The following is an entry in ClinVar:

ClinVar aggregate classification (germline): Uncertain significance (1 of 4 stars; one submission).

Submission:

Labcorp Genetics (formerly Invitae), Labcorp
Classification: Uncertain significance. Last evaluated: 2022-09-24. Review status: criteria provided, single submitter. Criteria: Invitae Variant Classification Sherloc (09022015). Collection method: clinical testing. Allele origin: germline.
Comment: This variant has not been reported in the literature in individuals affected with GRIN2D-related conditions. This sequence change creates a premature translational stop signal (p.Gly1258Trpfs*74) in the GRIN2D gene. While this is not anticipated to result in nonsense mediated decay, it is expected to disrupt the last 79 amino acid(s) of the GRIN2D protein. The frequency data for this variant in the population databases is considered unreliable, as metrics indicate insufficient coverage at this position in the gnomAD database. Experimental studies and prediction algorithms are not available or were not evaluated, and the functional significance of this variant is currently unknown. In summary, the available evidence is currently insufficient to determine the role of this variant in disease. Therefore, it has been classified as a Variant of Uncertain Significance.

NM_000836.4(GRIN2D):c.3771dup (p.Gly1258fs)

Gene: GRIN2D (glutamate ionotropic receptor NMDA type subunit 2D; plus strand). Cytogenetic location: 19q13.33.
Variant type: Duplication.
Coding change: c.3771dup on transcript NM_000836.4 (MANE Select); coding-DNA position 3771, one base duplicated (T; older notation c.3771dupT).
Protein change: p.Gly1258fs; shifts the reading frame from glycine 1258.
Molecular consequence: frameshift variant.
Genome position (GRCh38, 1-based): chr19:48,443,697, T duplicated. VCF-style (leftmost placement, unchanged base first): chr19-48443696-C-CT. GRCh37 (hg19) VCF-style: chr19-48946953-C-CT.
Other names: short protein forms G1258fs.
Identifiers: ClinVar variation 2032406 (VCV002032406.4), dbSNP rs2513694084, ClinGen allele CA2580097527.